The following is an entry in ClinVar:

ClinVar aggregate classification (germline): Uncertain significance (1 of 4 stars; one submission).

Submission:

Labcorp Genetics (formerly Invitae), Labcorp
Classification: Uncertain significance. Last evaluated: 2025-07-30. Review status: criteria provided, single submitter. Criteria: Invitae Variant Classification Sherloc (09022015). Collection method: clinical testing. Allele origin: germline.
Comment: This variant results in the deletion of part of exon 16 (c.1624-513_1727delinsTTTGGCTAG) of the SH3KBP1 gene. It is expected to disrupt RNA splicing. Variants that disrupt the donor or acceptor splice site typically lead to a loss of protein function (PMID: 16199547), however the current clinical and genetic evidence is not sufficient to establish whether loss-of-function variants in SH3KBP1 cause disease. This variant is not present in population databases (gnomAD no frequency). This variant has not been reported in the literature in individuals affected with SH3KBP1-related conditions. In summary, the available evidence is currently insufficient to determine the role of this variant in disease. Therefore, it has been classified as a Variant of Uncertain Significance.

Literature cited by the submitters: PubMed 16199547.

NM_031892.3(SH3KBP1):c.1624-513_1727delinsTTTGGCTAG

Gene: SH3KBP1 (SH3 domain containing kinase binding protein 1; minus strand). Cytogenetic location: Xp22.12.
Variant type: Indel.
Coding change: c.1624-513_1727delinsTTTGGCTAG on transcript NM_031892.3 (MANE Select); 513 bases into the intron before coding-DNA position 1624 through coding-DNA position 1727, the reference bases replaced by TTTGGCTAG.
Molecular consequence: splice acceptor variant.
Genome position (GRCh38, 1-based): chrX:19,542,090-19,542,706, 617 bases replaced. GRCh37 (hg19): chrX:19,560,208-19,560,824.
Other names: c.1495-513_1598delinsTTTGGCTAG (NM_001353890.2); c.1570-513_1673delinsTTTGGCTAG (NM_001353892.2); c.1699-513_1802delinsTTTGGCTAG (NM_001353891.2); c.1627-513_1730delinsTTTGGCTAG (NM_001410757.1); c.1756-513_1859delinsTTTGGCTAG (NM_001410756.1); c.1393-513_1496delinsTTTGGCTAG (NM_001353894.2); c.1522-513_1625delinsTTTGGCTAG (NM_001353893.2); c.1450-513_1553delinsTTTGGCTAG (NM_001353895.2); and 4 more.
Identifiers: ClinVar variation 4724548 (VCV004724548.1).